The following is an entry in ClinVar:

NM_152683.4(PRIMPOL):c.707A>G (p.Glu236Gly)

Gene: PRIMPOL (primase and DNA directed polymerase; plus strand). Cytogenetic location: 4q35.1.
Variant type: single nucleotide variant.
Coding change: c.707A>G on transcript NM_152683.4 (MANE Select); coding-DNA position 707, A replaced by G.
Protein change: p.Glu236Gly; replaces glutamic acid 236 with glycine.
Molecular consequence: missense variant. On other transcripts: non-coding transcript variant (3).
Genome position (GRCh38, 1-based): chr4:184,672,323, A>G. VCF-style: chr4-184672323-A-G. GRCh37 (hg19) VCF-style: chr4-185593477-A-G.
Other names: c.320A>G, p.Glu107Gly (NM_001300767.2); c.707A>G, p.Glu236Gly (NM_001300768.2, NM_001345891.2, NM_001345892.2 and 4 more transcripts); c.11A>G, p.Glu4Gly (NM_001345894.2, NM_001345897.2, NM_001345898.2 and 1 more transcripts); c.182A>G, p.Glu61Gly (NM_001345900.2); short protein forms E107G, E236G, E4G, E61G.
Identifiers: ClinVar variation 3034069 (VCV003034069.2), dbSNP rs2530655217, ClinGen allele CA358883413.

ClinVar aggregate classification (germline): Uncertain significance (0 of 4 stars; one submission).

Conditions:
PRIMPOL-related disorder. Also called: PRIMPOL-related condition.

Allele frequency attached by ClinVar (database versions not stated): gnomAD exomes below 0.00001.
gnomAD v4.1: 7 of 1,614,168 alleles (0.00043%); highest among the groups gnomAD compares: South Asian, 0.0011%; no homozygotes.

Submission:

PreventionGenetics, part of Exact Sciences
Classification: Uncertain significance for PRIMPOL-related condition. Last evaluated: 2024-01-17. Review status: no assertion criteria provided. Collection method: clinical testing. Allele origin: germline.
Comment: The PRIMPOL c.707A>G variant is predicted to result in the amino acid substitution p.Glu236Gly. To our knowledge, this variant has not been reported in the literature or in a large population database, indicating this variant is rare. At this time, the clinical significance of this variant is uncertain due to the absence of conclusive functional and genetic evidence.